The following is an entry in ClinVar:

NM_004655.4(AXIN2):c.1948C>G (p.Arg650Gly)

Gene: AXIN2 (axin 2; minus strand). Cytogenetic location: 17q24.1.
Variant type: single nucleotide variant.
Coding change: c.1948C>G on transcript NM_004655.4 (MANE Select); coding-DNA position 1948, C replaced by G.
Protein change: p.Arg650Gly; replaces arginine 650 with glycine.
Molecular consequence: missense variant.
Genome position (GRCh38, 1-based): chr17:65,536,513, G>C on the plus strand (C>G on the coding strand, the complement: AXIN2 is on the minus strand). VCF-style: chr17-65536513-G-C. GRCh37 (hg19) VCF-style: chr17-63532631-G-C.
Other names: c.1753C>G, p.Arg585Gly (NM_001363813.1); short protein forms R585G, R650G.
Identifiers: ClinVar variation 2164490 (VCV002164490.6), dbSNP rs148419444, ClinGen allele CA400676275.

ClinVar aggregate classification (germline): Uncertain significance. Review status: criteria provided, multiple submitters, no conflicts (2 of 4 stars). 2 submissions from 2 submitters: Uncertain significance (2). Last evaluated 2025-03-20.

Conditions:
Oligodontia-cancer predisposition syndrome. Also called: TOOTH AGENESIS-COLORECTAL CANCER SYNDROME. Identifiers: Orphanet 300576, MedGen C1837750, MONDO:0012075, OMIM 608615. Disease mechanism: loss of function.
Hereditary cancer-predisposing syndrome. Also called: Hereditary Cancer Syndrome; Neoplastic Syndromes, Hereditary; Tumor predisposition; Hereditary neoplastic syndrome. Identifiers: Orphanet 140162, MedGen C0027672, MeSH D009386, MONDO:0015356.

Submissions (2):

Labcorp Genetics (formerly Invitae), Labcorp
Classification: Uncertain significance for Oligodontia-cancer predisposition syndrome. Last evaluated: 2025-03-20. Review status: criteria provided, single submitter. Criteria: Invitae Variant Classification Sherloc (09022015). Collection method: clinical testing. Allele origin: germline.
Comment: This sequence change replaces arginine, which is basic and polar, with glycine, which is neutral and non-polar, at codon 650 of the AXIN2 protein (p.Arg650Gly). This variant is not present in population databases (gnomAD no frequency). This variant has not been reported in the literature in individuals affected with AXIN2-related conditions. ClinVar contains an entry for this variant (Variation ID: 2164490). Invitae Evidence Modeling of protein sequence and biophysical properties (such as structural, functional, and spatial information, amino acid conservation, physicochemical variation, residue mobility, and thermodynamic stability) indicates that this missense variant is not expected to disrupt AXIN2 protein function with a negative predictive value of 80%. In summary, the available evidence is currently insufficient to determine the role of this variant in disease. Therefore, it has been classified as a Variant of Uncertain Significance.

Ambry Genetics
Classification: Uncertain significance for Hereditary cancer-predisposing syndrome. Last evaluated: 2023-02-04. Review status: criteria provided, single submitter. Criteria: Ambry Variant Classification Scheme 2023. Collection method: clinical testing. Allele origin: germline.
Comment: The p.R650G variant (also known as c.1948C>G), located in coding exon 7 of the AXIN2 gene, results from a C to G substitution at nucleotide position 1948. The arginine at codon 650 is replaced by glycine, an amino acid with dissimilar properties. This amino acid position is conserved. In addition, this alteration is predicted to be tolerated by in silico analysis. Since supporting evidence is limited at this time, the clinical significance of this alteration remains unclear.